The following is an entry in ClinVar:

NM_199069.2(NDUFAF3):c.255G>A (p.Ser85=)

Gene: NDUFAF3 (NADH:ubiquinone oxidoreductase complex assembly factor 3; plus strand). Cytogenetic location: 3p21.31.
Variant type: single nucleotide variant.
Coding change: c.255G>A on transcript NM_199069.2 (MANE Select); coding-DNA position 255, G replaced by A.
Protein change: p.Ser85=; no amino-acid change (serine 85 retained).
Molecular consequence: synonymous variant.
Genome position (GRCh38, 1-based): chr3:49,022,523, G>A. VCF-style: chr3-49022523-G-A. GRCh37 (hg19) VCF-style: chr3-49059956-G-A.
Other names: c.84G>A, p.Ser28= (NM_199070.2, NM_199073.2, NM_199074.2).
Identifiers: ClinVar variation 378246 (VCV000378246.2), dbSNP rs370061971, ClinGen allele CA2390222.

ClinVar aggregate classification (germline): Benign/Likely benign. Review status: criteria provided, multiple submitters, no conflicts (2 of 4 stars). 2 submissions from 2 submitters: Benign (1); Likely benign (1). Last evaluated 2024-11-19.

Conditions:
NDUFAF3-related disorder. Also called: NDUFAF3-related condition.

Allele frequency attached by ClinVar (database versions not stated): ExAC 0.00003; gnomAD 0.00003; TOPMed 0.00003; gnomAD exomes 0.00004 and 0.00014; ESP Exome Variant Server 0.00008.
gnomAD v4.1: 198 of 1,613,154 alleles (0.012%); highest among the groups gnomAD compares: Non-Finnish European, 0.017%; no homozygotes.

Submissions (2):

PreventionGenetics, part of Exact Sciences
Classification: Likely benign for NDUFAF3-related condition. Last evaluated: 2024-11-19. Review status: criteria provided, single submitter. Criteria: ACMG Guidelines, 2015. Collection method: clinical testing. Allele origin: germline.
Comment: This variant is classified as likely benign based on ACMG/AMP sequence variant interpretation guidelines (Richards et al. 2015 PMID: 25741868, with internal and published modifications).

GeneDx
Classification: Benign. Last evaluated: 2015-07-01. Review status: criteria provided, single submitter. Criteria: GeneDx Variant Classification (06012015). Collection method: clinical testing. Allele origin: germline. Affected: yes.
Comment: This variant is considered likely benign or benign based on one or more of the following criteria: it is a conservative change, it occurs at a poorly conserved position in the protein, it is predicted to be benign by multiple in silico algorithms, and/or has population frequency not consistent with disease.